The following is an entry in ClinVar:

NM_004259.7(RECQL5):c.1586-5CA[4]

Gene: RECQL5 (RecQ like helicase 5; minus strand). Cytogenetic location: 17q25.1.
Variant type: Microsatellite.
Coding change: c.1586-5CA[4] on transcript NM_004259.7 (MANE Select); four copies in a row of the 2-base unit CA starting at c.1586-5; the reference has two copies in a row; two copies, 4 bases duplicated.
Molecular consequence: splice acceptor variant.
Genome position (GRCh38, 1-based): chr17:75,630,839-75,630,842, TGTG duplicated on the plus strand (CACA on the coding strand, the reverse complement: RECQL5 is on the minus strand). VCF-style (leftmost placement, unchanged base first): chr17-75630838-C-CTGTG. GRCh37 (hg19) VCF-style: chr17-73626918-C-CTGTG.
Identifiers: ClinVar variation 3035771 (VCV003035771.2), dbSNP rs142406301, ClinGen allele CA8767362.

ClinVar aggregate classification (germline): Likely benign (0 of 4 stars; one submission).

Conditions:
RECQL5-related disorder. Also called: RECQL5-related condition.

Submission:

PreventionGenetics, part of Exact Sciences
Classification: Likely benign for RECQL5-related condition. Last evaluated: 2020-03-09. Review status: no assertion criteria provided. Collection method: clinical testing. Allele origin: germline.
Comment: This variant is classified as likely benign based on ACMG/AMP sequence variant interpretation guidelines (Richards et al. 2015 PMID: 25741868, with internal and published modifications).